The following is an entry in ClinVar:

NM_015375.3(DSTYK):c.771C>T (p.Leu257=)

Gene: DSTYK (dual serine/threonine and tyrosine protein kinase; minus strand). Cytogenetic location: 1q32.1.
Variant type: single nucleotide variant.
Coding change: c.771C>T on transcript NM_015375.3 (MANE Select); coding-DNA position 771, C replaced by T.
Protein change: p.Leu257=; no amino-acid change (leucine 257 retained).
Molecular consequence: synonymous variant.
Genome position (GRCh38, 1-based): chr1:205,169,716, G>A on the plus strand (C>T on the coding strand, the complement: DSTYK is on the minus strand). VCF-style: chr1-205169716-G-A. GRCh37 (hg19) VCF-style: chr1-205138844-G-A.
Other names: c.771C>T, p.Leu257= (NM_199462.3).
Identifiers: ClinVar variation 2639848 (VCV002639848.24), dbSNP rs754514948, ClinGen allele CA1352958.

ClinVar aggregate classification (germline): Likely benign (1 of 4 stars; one submission).

Allele frequency attached by ClinVar (database versions not stated): ExAC 0.00005.
gnomAD v4.1: 13 of 1,614,200 alleles (0.00081%); highest among the groups gnomAD compares: South Asian, 0.013%; no homozygotes.

Submission:

CeGaT Center for Human Genetics Tuebingen
Classification: Likely benign. Last evaluated: 2023-02-01. Review status: criteria provided, single submitter. Criteria: CeGaT Center For Human Genetics Tuebingen Variant Classification Criteria Version 2. Collection method: clinical testing. Allele origin: germline. Affected: yes. Observed: 1 variant allele.
Comment: DSTYK: BP4, BP7